The following is an entry in ClinVar:

ClinVar aggregate classification (germline): Uncertain significance (1 of 4 stars; one submission).

Conditions:
Adams-Oliver syndrome 5 (AOS5). Identifiers: Orphanet 974, MedGen C4014970, MONDO:0014459, OMIM 616028.

gnomAD v4.1: 1 of 1,609,694 alleles (0.000062%); highest among the groups gnomAD compares: Non-Finnish European, 0.000085%; no homozygotes.

Submission:

Labcorp Genetics (formerly Invitae), Labcorp
Classification: Uncertain significance for Adams-Oliver syndrome 5. Last evaluated: 2026-01-25. Review status: criteria provided, single submitter. Criteria: Invitae Variant Classification Sherloc (09022015). Collection method: clinical testing. Allele origin: germline.
Comment: This sequence change replaces asparagine, which is neutral and polar, with serine, which is neutral and polar, at codon 1510 of the NOTCH1 protein (p.Asn1510Ser). This variant is not present in population databases (gnomAD no frequency). This variant has not been reported in the literature in individuals affected with NOTCH1-related conditions. An algorithm developed to predict the effect of missense changes on protein structure and function outputs the following: PolyPhen-2: "Benign". The serine amino acid residue is found in multiple mammalian species, which suggests that this missense change does not adversely affect protein function. In summary, the available evidence is currently insufficient to determine the role of this variant in disease. Therefore, it has been classified as a Variant of Uncertain Significance.

NM_017617.5(NOTCH1):c.4529A>G (p.Asn1510Ser)

Gene: NOTCH1 (notch receptor 1; minus strand). Cytogenetic location: 9q34.3.
Variant type: single nucleotide variant.
Coding change: c.4529A>G on transcript NM_017617.5 (MANE Select); coding-DNA position 4529, A replaced by G.
Protein change: p.Asn1510Ser; replaces asparagine 1510 with serine.
Molecular consequence: missense variant.
Genome position (GRCh38, 1-based): chr9:136,505,367, T>C on the plus strand (A>G on the coding strand, the complement: NOTCH1 is on the minus strand). VCF-style: chr9-136505367-T-C. GRCh37 (hg19) VCF-style: chr9-139399819-T-C.
Other names: short protein forms N1510S.
Identifiers: ClinVar variation 4759786 (VCV004759786.1).
Genomic context (GRCh38, chr9:136,505,367, plus strand): 5'-TACTTGCACTGGCCTTCCGCACGCTGGCAGTCAAAGCCGTCGAAGAGGCAGCCGGCTGAG[T>C]TGCACTGGCTGTCACAGTGGCCGTCACTGAAGTACTTCCAGCACTGCAGAGACTGCGTGC-3'
Protein context (NP_060087.3, residues 1500-1520): FSDGHCDSQC[Asn1510Ser]SAGCLFDGFD